The following is an entry in ClinVar:

ClinVar aggregate classification (germline): Likely pathogenic (0 of 4 stars; one submission).

Conditions:
Cerebellar-facial-dental syndrome. Also called: Cerebellofaciodental syndrome. Identifiers: Orphanet 444072, MedGen C4015495, MONDO:0014529, OMIM 616202.

Submission:

Tgen's Center for Rare Childhood Disorders, Translational Genomics Research Institute (tgen)
Classification: Likely pathogenic for Cerebellar-facial-dental syndrome. Last evaluated: 2021-05-10. Review status: no assertion criteria provided. Collection method: research. Allele origin: germline. Inheritance: Autosomal recessive inheritance. Affected: yes.
Comment: The p.Thr265HisfsX5 variant was found in a research study in a compound heterozygous state with the p.Thr259Met variant. The p.Thr265HisfsX5 variant is not present in gnomAD nor published in the literature. The normal sequence with the bases that are deleted and inserted in brackets is: GCTC[delAC] [insCATTTA]GGAA.

NM_001519.4(BRF1):c.793_794delinsCATTTA (p.Thr265fs)

Gene: BRF1 (BRF1 general transcription factor IIIB subunit; minus strand). Cytogenetic location: 14q32.33.
Variant type: Indel.
Coding change: c.793_794delinsCATTTA on transcript NM_001519.4 (MANE Select); coding-DNA positions 793 to 794, AC replaced by CATTTA.
Protein change: p.Thr265fs; shifts the reading frame from threonine 265.
Molecular consequence: frameshift variant.
Genome position (GRCh38, 1-based): chr14:105,226,755-105,226,756, GT replaced by TAAATG on the plus strand (AC replaced by CATTTA on the coding strand, the reverse complement: BRF1 is on the minus strand). VCF-style: chr14-105226755-GT-TAAATG. GRCh37 (hg19) VCF-style: chr14-105693092-GT-TAAATG.
Other names: c.448_449delinsCATTTA, p.Thr150fs (NM_001242786.2, NM_001242787.2); c.712_713delinsCATTTA, p.Thr238fs (NM_001242788.2); c.79_80delinsCATTTA, p.Thr27fs (NM_001242789.2); c.181_182delinsCATTTA, p.Thr61fs (NM_145685.3); short protein forms T150fs, T238fs, T265fs, T27fs, T61fs.
Identifiers: ClinVar variation 1077071 (VCV001077071.2), dbSNP rs2141566255, ClinGen allele CA2499222553.